The following is an entry in ClinVar:

NM_000069.3(CACNA1S):c.2259G>A (p.Pro753=)

Gene: CACNA1S (calcium voltage-gated channel subunit alpha1 S; minus strand). Cytogenetic location: 1q32.1.
Variant type: single nucleotide variant.
Coding change: c.2259G>A on transcript NM_000069.3 (MANE Select); coding-DNA position 2259, G replaced by A.
Protein change: p.Pro753=; no amino-acid change (proline 753 retained).
Molecular consequence: synonymous variant.
Genome position (GRCh38, 1-based): chr1:201,070,373, C>T on the plus strand (G>A on the coding strand, the complement: CACNA1S is on the minus strand). VCF-style: chr1-201070373-C-T. GRCh37 (hg19) VCF-style: chr1-201039501-C-T.
Identifiers: ClinVar variation 473975 (VCV000473975.14), dbSNP rs200971359, ClinGen allele CA078905.

ClinVar aggregate classification (germline): Benign/Likely benign. Review status: criteria provided, multiple submitters, no conflicts (2 of 4 stars). 5 submissions from 5 submitters: Benign (3); Likely benign (2). Last evaluated 2026-07-01.

Conditions:
Hypokalemic periodic paralysis, type 1. Also called: Hypokalemic Periodic Paralysis Type 1 (AD); HypoPP. Identifiers: Orphanet 681, MedGen C3714580, MONDO:0042979, OMIM 170400.
Malignant hyperthermia, susceptibility to, 5 (MHS5). Also called: CACNA1S-Related Malignant Hyperthermia Susceptibility. Identifiers: Orphanet 423, MedGen C1866077, MONDO:0011163, OMIM 601887.

Allele frequency attached by ClinVar (database versions not stated): TOPMed 0.00005; 1000 Genomes Project 30x 0.00016; 1000 Genomes Project 0.00020; ExAC 0.00057; gnomAD 0.00083 and 0.00088; gnomAD exomes 0.00084.
gnomAD v4.1: 640 of 1,614,042 alleles (0.04%); highest among the groups gnomAD compares: Non-Finnish European, 0.0053%; 4 homozygotes.

Submissions (5):

CeGaT Center for Human Genetics Tuebingen
Classification: Likely benign. Last evaluated: 2026-07-01. Review status: criteria provided, single submitter. Criteria: CeGaT Center For Human Genetics Tuebingen Variant Classification Criteria Version 2. Collection method: clinical testing. Allele origin: germline. Affected: yes. Observed: 1 variant allele.
Comment: CACNA1S: BP4, BP7

Labcorp Genetics (formerly Invitae), Labcorp
Classification: Benign for Hypokalemic periodic paralysis, type 1; Malignant hyperthermia, susceptibility to, 5. Last evaluated: 2025-12-29. Review status: criteria provided, single submitter. Criteria: Invitae Variant Classification Sherloc (09022015). Collection method: clinical testing. Allele origin: germline.

Blueprint Genetics
Classification: Likely benign. Last evaluated: 2024-06-07. Review status: criteria provided, single submitter. Criteria: ACMG Guidelines, 2015. Collection method: clinical testing. Allele origin: germline.

All of Us Research Program, National Institutes of Health
Classification: Benign for Malignant hyperthermia, susceptibility to, 5. Last evaluated: 2024-01-11. Review status: criteria provided, single submitter. Criteria: ACMG Guidelines, 2015. Collection method: clinical testing. Allele origin: germline. Inheritance: Autosomal dominant inheritance. Observed: 18 variant alleles, 18 heterozygotes.
Comment: This study involves interpretation of variants in research participants for the purpose of population health screening. Participant phenotype was not available at the time of variant classification. Additional details can be found in publication PMID: 35346344, PMCID: PMC8962531

Color Diagnostics, LLC DBA Color Health
Classification: Benign for Malignant hyperthermia, susceptibility to, 5. Last evaluated: 2022-11-06. Review status: criteria provided, single submitter. Criteria: ACMG Guidelines, 2015. Collection method: clinical testing. Allele origin: germline.